The following is an entry in ClinVar:

ClinVar aggregate classification (germline): Uncertain significance. Review status: criteria provided, multiple submitters, no conflicts (2 of 4 stars). 2 submissions from 2 submitters: Uncertain significance (2). Last evaluated 2025-07-28.

Conditions:
Inborn genetic diseases. Identifiers: MedGen C0950123, MeSH D030342.

Allele frequency attached by ClinVar (database versions not stated): ExAC 0.00004; gnomAD exomes 0.00004; gnomAD 0.00007; TOPMed 0.00008; 1000 Genomes Project 30x 0.00031; 1000 Genomes Project 0.00040.

Submissions (2):

Labcorp Genetics (formerly Invitae), Labcorp
Classification: Uncertain significance. Last evaluated: 2025-07-28. Review status: criteria provided, single submitter. Criteria: Invitae Variant Classification Sherloc (09022015). Collection method: clinical testing. Allele origin: germline.
Comment: This sequence change replaces histidine, which is basic and polar, with arginine, which is basic and polar, at codon 560 of the COLGALT1 protein (p.His560Arg). This variant is present in population databases (rs201511712, gnomAD 0.02%). This variant has not been reported in the literature in individuals affected with COLGALT1-related conditions. ClinVar contains an entry for this variant (Variation ID: 2164564). Invitae Evidence Modeling of protein sequence and biophysical properties (such as structural, functional, and spatial information, amino acid conservation, physicochemical variation, residue mobility, and thermodynamic stability) has been performed for this missense variant. However, the output from this modeling did not meet the statistical confidence thresholds required to predict the impact of this variant on COLGALT1 protein function. In summary, the available evidence is currently insufficient to determine the role of this variant in disease. Therefore, it has been classified as a Variant of Uncertain Significance.

Ambry Genetics
Classification: Uncertain significance for Inborn genetic diseases. Last evaluated: 2022-01-10. Review status: criteria provided, single submitter. Criteria: Ambry Variant Classification Scheme 2023. Collection method: clinical testing. Allele origin: germline.

NM_024656.4(COLGALT1):c.1679A>G (p.His560Arg)

Gene: COLGALT1 (collagen beta(1-O)galactosyltransferase 1; plus strand). Cytogenetic location: 19p13.11.
Variant type: single nucleotide variant.
Coding change: c.1679A>G on transcript NM_024656.4 (MANE Select); coding-DNA position 1679, A replaced by G.
Protein change: p.His560Arg; replaces histidine 560 with arginine.
Molecular consequence: missense variant.
Genome position (GRCh38, 1-based): chr19:17,581,254, A>G. VCF-style: chr19-17581254-A-G. GRCh37 (hg19) VCF-style: chr19-17692063-A-G.
Other names: c.1679A>G (NM_024656.2); short protein forms H560R.
Identifiers: ClinVar variation 2164564 (VCV002164564.5), dbSNP rs201511712, ClinGen allele CA9297400.
Genomic context (GRCh38, chr19:17,581,254, plus strand): 5'-ACTTCTCCCTCCGCAACCTGCATGCCTTCTCTGTGGAGCCGCTGCTCATCTACCCCACAC[A>G]CTACACAGGAGACGATGGCTATGTGAGTGACACCGAGACCTCAGTCGTATGGAACAATGA-3'
Protein context (NP_078932.2, residues 550-570): SVEPLLIYPT[His560Arg]YTGDDGYVSD